The following is an entry in ClinVar:

ClinVar aggregate classification (germline): Conflicting classifications of pathogenicity. Review status: criteria provided, conflicting classifications (1 of 4 stars). 3 submissions from 3 submitters: Uncertain significance (2); Likely benign (1). Last evaluated 2025-07-12.

Conditions:
Jeune thoracic dystrophy. Also called: Short-rib thoracic dysplasia; Jeune syndrome; Infantile thoracic dystrophy; Thoracic pelvic phalangeal dystrophy; Jeune's syndrome; Chondroectodermal dysplasia-like syndrome. Identifiers: Orphanet 474, MedGen C0265275, MONDO:0018770.
Inborn genetic diseases. Identifiers: MedGen C0950123, MeSH D030342.
Asphyxiating thoracic dystrophy 3. Also called: SHORT-RIB THORACIC DYSPLASIA 3 WITH OR WITHOUT POLYDACTYLY; POLYDACTYLY WITH NEONATAL CHONDRODYSTROPHY, TYPE I; SHORT-RIB THORACIC DYSPLASIA 3/6 WITH POLYDACTYLY, DIGENIC; Short rib polydactyly syndrome 2B; Saldino-Noonan Syndrome. Identifiers: Orphanet 474, Orphanet 93269, Orphanet 93270, Orphanet 93271, MedGen C0036069, MONDO:0013127, OMIM 613091.

Allele frequency attached by ClinVar (database versions not stated): TOPMed 0.00001; ExAC 0.00002; gnomAD 0.00002 and 0.00003; gnomAD exomes 0.00002 and 0.00004.
gnomAD v4.1: 65 of 1,613,262 alleles (0.004%); highest among the groups gnomAD compares: Non-Finnish European, 0.0054%; 1 homozygote.

Submissions (3):

Ambry Genetics
Classification: Likely benign for Inborn genetic diseases. Last evaluated: 2025-07-12. Review status: criteria provided, single submitter. Criteria: Ambry Variant Classification Scheme 2023. Collection method: clinical testing. Allele origin: germline.

Labcorp Genetics (formerly Invitae), Labcorp
Classification: Uncertain significance for Jeune thoracic dystrophy. Last evaluated: 2022-03-27. Review status: criteria provided, single submitter. Criteria: Invitae Variant Classification Sherloc (09022015). Collection method: clinical testing. Allele origin: germline.
Comment: This sequence change replaces threonine, which is neutral and polar, with alanine, which is neutral and non-polar, at codon 1521 of the DYNC2H1 protein (p.Thr1521Ala). This variant is present in population databases (rs756098102, gnomAD 0.004%). This variant has not been reported in the literature in individuals affected with DYNC2H1-related conditions. ClinVar contains an entry for this variant (Variation ID: 302036). Advanced modeling of protein sequence and biophysical properties (such as structural, functional, and spatial information, amino acid conservation, physicochemical variation, residue mobility, and thermodynamic stability) performed at Invitae indicates that this missense variant is not expected to disrupt DYNC2H1 protein function. In summary, the available evidence is currently insufficient to determine the role of this variant in disease. Therefore, it has been classified as a Variant of Uncertain Significance.

Illumina Laboratory Services, Illumina
Classification: Uncertain significance for Asphyxiating thoracic dystrophy 3. Last evaluated: 2018-01-13. Review status: criteria provided, single submitter. Criteria: ICSL Variant Classification Criteria 13 December 2019. Collection method: clinical testing. Allele origin: germline.

NM_001377.3(DYNC2H1):c.4561A>G (p.Thr1521Ala)

Gene: DYNC2H1 (dynein cytoplasmic 2 heavy chain 1; plus strand). Cytogenetic location: 11q22.3.
Variant type: single nucleotide variant.
Coding change: c.4561A>G on transcript NM_001377.3 (MANE Select); coding-DNA position 4561, A replaced by G.
Protein change: p.Thr1521Ala; replaces threonine 1521 with alanine.
Molecular consequence: missense variant.
Genome position (GRCh38, 1-based): chr11:103,163,097, A>G. VCF-style: chr11-103163097-A-G. GRCh37 (hg19) VCF-style: chr11-103033826-A-G.
Other names: c.4561A>G, p.Thr1521Ala (NM_001080463.2); short protein forms T1521A.
Identifiers: ClinVar variation 302036 (VCV000302036.11), dbSNP rs756098102, ClinGen allele CA6253581.